The following is an entry in ClinVar:

ClinVar aggregate classification (germline): Uncertain significance (1 of 4 stars; one submission).

Conditions:
Pierson syndrome. Also called: MICROCORIA-CONGENITAL NEPHROTIC SYNDROME. Identifiers: Orphanet 2670, MedGen C1836876, MONDO:0012184, OMIM 609049.
LAMB2-related infantile-onset nephrotic syndrome. Also called: Nephrotic Syndrome, type 5; NEPHROTIC SYNDROME, TYPE 5, WITHOUT OCULAR ABNORMALITIES; NEPHROTIC SYNDROME, TYPE 5, WITH OCULAR ABNORMALITIES. Identifiers: Orphanet 306507, MedGen C3280113, MONDO:0013621, OMIM 614199.

Allele frequency attached by ClinVar (database versions not stated): gnomAD 0.00001; ExAC 0.00002.

Submission:

Labcorp Genetics (formerly Invitae), Labcorp
Classification: Uncertain significance for LAMB2-related infantile-onset nephrotic syndrome; Pierson syndrome. Last evaluated: 2022-10-14. Review status: criteria provided, single submitter. Criteria: Invitae Variant Classification Sherloc (09022015). Collection method: clinical testing. Allele origin: germline.
Comment: In summary, the available evidence is currently insufficient to determine the role of this variant in disease. Therefore, it has been classified as a Variant of Uncertain Significance. Algorithms developed to predict the effect of missense changes on protein structure and function output the following: SIFT: "Tolerated"; PolyPhen-2: "Benign"; Align-GVGD: "Class C0". The glutamine amino acid residue is found in multiple mammalian species, which suggests that this missense change does not adversely affect protein function. This variant has not been reported in the literature in individuals affected with LAMB2-related conditions. This variant is present in population databases (rs201886086, gnomAD 0.003%). This sequence change replaces arginine, which is basic and polar, with glutamine, which is neutral and polar, at codon 1661 of the LAMB2 protein (p.Arg1661Gln).

NM_002292.4(LAMB2):c.4982G>A (p.Arg1661Gln)

Gene: LAMB2 (laminin subunit beta 2; minus strand). Cytogenetic location: 3p21.31.
Variant type: single nucleotide variant.
Coding change: c.4982G>A on transcript NM_002292.4 (MANE Select); coding-DNA position 4982, G replaced by A.
Protein change: p.Arg1661Gln; replaces arginine 1661 with glutamine.
Molecular consequence: missense variant.
Genome position (GRCh38, 1-based): chr3:49,121,802, C>T on the plus strand (G>A on the coding strand, the complement: LAMB2 is on the minus strand). VCF-style: chr3-49121802-C-T. GRCh37 (hg19) VCF-style: chr3-49159235-C-T.
Other names: short protein forms R1661Q.
Identifiers: ClinVar variation 2050612 (VCV002050612.2), dbSNP rs201886086, ClinGen allele CA2393641.
Genomic context (GRCh38, chr3:49,121,802, plus strand): 5'-GCTGCCAGACTATTTCCTGCCCGTTTCAATTTCAGAGCCTCCAGGAGAGCATCCAACTGC[C>T]GAGCCCTTTCACCTGCAGAGCTCAGTGCCCGCTCTGCACCTGCCATCCTCTCCTGTACCT-3'
Protein context (NP_002283.3, residues 1651-1671): RALSSAGERA[Arg1661Gln]QLDALLEALK